The following is an entry in ClinVar:

NM_004444.5(EPHB4):c.48G>C (p.Leu16Phe)

Genes: EPHB4 (EPH receptor B4; minus strand), SLC12A9 (solute carrier family 12 member 9; plus strand). Cytogenetic location: 7q22.1.
Variant type: single nucleotide variant.
Coding change: c.48G>C on transcript NM_004444.5 (MANE Select); coding-DNA position 48, G replaced by C.
Protein change: p.Leu16Phe; replaces leucine 16 with phenylalanine.
Molecular consequence: missense variant. On other transcripts: 5 prime UTR variant (1).
Genome position (GRCh38, 1-based): chr7:100,826,983, C>G on the plus strand (G>C on the coding strand, the complement: EPHB4 is on the minus strand). VCF-style: chr7-100826983-C-G. GRCh37 (hg19) VCF-style: chr7-100424605-C-G.
Other names: c.-46C>G (NM_001363494.1); short protein forms L16F.
Identifiers: ClinVar variation 5036054 (VCV005036054.1).
Genomic context (GRCh38, chr7:100,826,983, plus strand): 5'-TTGGGGGGGAGGTCCCAGGAGTGACGGGGTGCGCCCCCCCCCGCAAGGAAACTCACCTTC[C>G]AAAGCTGCGGCCAACGAAGCCCAGCAGAGCAGCACCCGGAGCTCCATGGCGCCGCCTCAC-3'
Protein context (NP_004435.3, residues 6-26): LLCWASLAAA[Leu16Phe]EETLLNTKLE

ClinVar aggregate classification (germline): Uncertain significance (1 of 4 stars; one submission).

Conditions:
Cardiovascular phenotype. Identifiers: MedGen CN230736.

gnomAD v4.1: 1 of 1,565,066 alleles (0.000064%); highest among the groups gnomAD compares: African/African-American, 0.0014%; no homozygotes.

Submission:

Ambry Genetics
Classification: Uncertain significance for Cardiovascular phenotype. Last evaluated: 2026-08-22. Review status: criteria provided, single submitter. Criteria: Ambry Variant Classification Scheme 2023. Collection method: clinical testing. Allele origin: germline.
Comment: The p.L16F variant (also known as c.48G>C), located in coding exon 1 of the EPHB4 gene, results from a G to C substitution at nucleotide position 48. The leucine at codon 16 is replaced by phenylalanine, an amino acid with highly similar properties. This amino acid position is conserved. In addition, this alteration is predicted to be tolerated by in silico analysis. Based on the available evidence, the clinical significance of this variant remains unclear.